The following is an entry in ClinVar:

ClinVar aggregate classification (germline): Uncertain significance (1 of 4 stars; one submission).

gnomAD v4.1: 4 of 1,614,020 alleles (0.00025%); highest among the groups gnomAD compares: Non-Finnish European, 0.00034%; no homozygotes.

Submission:

GeneDx
Classification: Uncertain significance. Last evaluated: 2024-08-20. Review status: criteria provided, single submitter. Criteria: GeneDx Variant Classification Process June 2021. Collection method: clinical testing. Allele origin: germline. Affected: yes.
Comment: Not observed at significant frequency in large population cohorts (gnomAD); In silico analysis indicates that this variant does not alter splicing; Has not been previously published as pathogenic or benign to our knowledge

NM_182916.3(TRNT1):c.147A>G (p.Thr49=)

Gene: TRNT1 (tRNA nucleotidyl transferase 1; plus strand). Cytogenetic location: 3p26.2.
Variant type: single nucleotide variant.
Coding change: c.147A>G on transcript NM_182916.3 (MANE Select); coding-DNA position 147, A replaced by G.
Protein change: p.Thr49=; no amino-acid change (threonine 49 retained).
Molecular consequence: synonymous variant. On other transcripts: non-coding transcript variant (11).
Genome position (GRCh38, 1-based): chr3:3,129,187, A>G. VCF-style: chr3-3129187-A-G. GRCh37 (hg19) VCF-style: chr3-3170871-A-G.
Other names: c.147A>G, p.Thr49= (NM_001302946.2, NM_001367321.1, NM_001367322.1 and 1 more transcripts).
Identifiers: ClinVar variation 3764277 (VCV003764277.1).